The following is an entry in ClinVar:

ClinVar aggregate classification (germline): Uncertain significance (1 of 4 stars; one submission).

gnomAD v4.1: 1 of 1,613,994 alleles (0.000062%); highest among the groups gnomAD compares: Non-Finnish European, 0.000085%; no homozygotes.

Submission:

Labcorp Genetics (formerly Invitae), Labcorp
Classification: Uncertain significance. Last evaluated: 2025-02-03. Review status: criteria provided, single submitter. Criteria: Invitae Variant Classification Sherloc (09022015). Collection method: clinical testing. Allele origin: germline.
Comment: This sequence change replaces arginine, which is basic and polar, with glycine, which is neutral and non-polar, at codon 1038 of the MYH9 protein (p.Arg1038Gly). This variant is not present in population databases (gnomAD no frequency). This variant has not been reported in the literature in individuals affected with MYH9-related conditions. Invitae Evidence Modeling of protein sequence and biophysical properties (such as structural, functional, and spatial information, amino acid conservation, physicochemical variation, residue mobility, and thermodynamic stability) indicates that this missense variant is not expected to disrupt MYH9 protein function with a negative predictive value of 95%. In summary, the available evidence is currently insufficient to determine the role of this variant in disease. Therefore, it has been classified as a Variant of Uncertain Significance.

NM_002473.6(MYH9):c.3112A>G (p.Arg1038Gly)

Gene: MYH9 (myosin heavy chain 9; minus strand). Cytogenetic location: 22q12.3.
Variant type: single nucleotide variant.
Coding change: c.3112A>G on transcript NM_002473.6 (MANE Select); coding-DNA position 3112, A replaced by G.
Protein change: p.Arg1038Gly; replaces arginine 1038 with glycine.
Molecular consequence: missense variant.
Genome position (GRCh38, 1-based): chr22:36,297,003, T>C on the plus strand (A>G on the coding strand, the complement: MYH9 is on the minus strand). VCF-style: chr22-36297003-T-C. GRCh37 (hg19) VCF-style: chr22-36693049-T-C.
Other names: short protein forms R1038G.
Identifiers: ClinVar variation 3701211 (VCV003701211.2).